The following is an entry in ClinVar:

ClinVar aggregate classification (germline): Conflicting classifications of pathogenicity. Review status: criteria provided, conflicting classifications (1 of 4 stars). 6 submissions from 6 submitters: Uncertain significance (3); Likely benign (3). Last evaluated 2026-08-01.

Conditions:
TGFBR1-related disorder. Also called: TGFBR1-related condition.
Familial thoracic aortic aneurysm and aortic dissection (TAAD). Also called: Thoracic aortic aneurysms and dissections. Identifiers: Orphanet 91387, MedGen C4707243, MONDO:0019625.

Submissions (6):

CeGaT Center for Human Genetics Tuebingen
Classification: Likely benign. Last evaluated: 2026-08-01. Review status: criteria provided, single submitter. Criteria: CeGaT Center For Human Genetics Tuebingen Variant Classification Criteria Version 2. Collection method: clinical testing. Allele origin: germline. Affected: yes. Observed: 2 variant alleles.
Comment: TGFBR1: BP3, BS2

Labcorp Genetics (formerly Invitae), Labcorp
Classification: Uncertain significance for Familial thoracic aortic aneurysm and aortic dissection. Last evaluated: 2026-01-24. Review status: criteria provided, single submitter. Criteria: Invitae Variant Classification Sherloc (09022015). Collection method: clinical testing. Allele origin: germline.
Comment: This variant, c.70_78dup, results in the insertion of 3 amino acid(s) of the TGFBR1 protein (p.Ala24_Ala26dup), but otherwise preserves the integrity of the reading frame. The frequency data for this variant in the population databases is considered unreliable, as metrics indicate poor data quality at this position in the gnomAD database. This variant has not been reported in the literature in individuals affected with TGFBR1-related conditions. ClinVar contains an entry for this variant (Variation ID: 408570). In summary, the available evidence is currently insufficient to determine the role of this variant in disease. Therefore, it has been classified as a Variant of Uncertain Significance.

PreventionGenetics, part of Exact Sciences
Classification: Uncertain significance for TGFBR1-related condition. Last evaluated: 2024-12-12. Review status: criteria provided, single submitter. Criteria: ACMG Guidelines, 2015. Collection method: clinical testing. Allele origin: germline.
Comment: The TGFBR1 c.70_78dup9 variant is predicted to result in an in-frame duplication (p.Ala24_Ala26dup). To our knowledge, this variant has not been reported in the literature. This variant is reported in 0.016% of alleles in individuals of European (Non-Finnish) descent in gnomAD. At this time, the clinical significance of this variant is uncertain due to the absence of conclusive functional and genetic evidence.

ARUP Laboratories, Molecular Genetics and Genomics, ARUP Laboratories
Classification: Uncertain significance. Last evaluated: 2020-11-10. Review status: criteria provided, single submitter. Criteria: ARUP Molecular Germline Variant Investigation Process 2021. Collection method: clinical testing. Allele origin: germline.
Comment: The TGFBR1 c.70_78dup; p.Ala24_Ala26dup variant (rs11466445), to our knowledge, has not been reported in the medical literature; however, this variant is listed in the ClinVar database (Variation ID: 408570). This variant is found in the general population with an overall allele frequency of 0.008% (2/23,942 alleles) in the Genome Aggregation Database. This variant is three amino acid, in-frame expansion of the polyalanine track in exon 1 of TGFBR1. In-frame contractions of this track are found at relatively high frequency in the general population and are mostly considered benign (ClinVar; Skoglund 2007). Expansions of this track are less frequent, although a single alanine duplication has been reported in a patient with a Marfan-related disorder (Seo 2018). Based on the available information, the clinical significance of the p.Ala24_Ala26dup variant is uncertain. Seo GH et al. The phenotypic heterogeneity of patients with Marfan-related disorders and their variant spectrums. Medicine (Baltimore). 2018 May;97(20):e10767. Skoglund J et al. Lack of an association between the TGFBR1*6A variant and colorectal cancer risk. Clin Cancer Res. 2007 Jun 15;13(12):3748-52.

Ambry Genetics
Classification: Likely benign for Familial thoracic aortic aneurysm and aortic dissection. Last evaluated: 2020-08-10. Review status: criteria provided, single submitter. Criteria: Ambry Variant Classification Scheme 2023. Collection method: clinical testing. Allele origin: germline.

GeneDx
Classification: Likely benign. Last evaluated: 2018-08-23. Review status: criteria provided, single submitter. Criteria: GeneDx Variant Classification Process June 2021. Collection method: clinical testing. Allele origin: germline. Affected: yes.

NM_004612.4(TGFBR1):c.52GCG[12] (p.Ala24_Ala26dup)

Gene: TGFBR1 (transforming growth factor beta receptor 1; plus strand). Cytogenetic location: 9q22.33.
Variant type: Microsatellite.
Coding change: c.52GCG[12] on transcript NM_004612.4 (MANE Select); 12 copies in a row of the 3-base unit GCG starting at c.52; the reference has nine copies in a row; three copies, 9 bases duplicated; also written c.70_78dup.
Protein change: p.Ala24_Ala26dup.
Molecular consequence: inframe insertion.
Genome position (GRCh38, 1-based): chr9:99,105,275-99,105,283, GCGGCGGCG duplicated; duplicating any 9 consecutive bases within chr9:99,105,256-99,105,283 gives the same sequence; the position shown is the placement nearest the transcript's 3' end. VCF-style (leftmost placement, unchanged base first): chr9-99105255-T-TGGCGGCGGC. GRCh37 (hg19) VCF-style: chr9-101867537-T-TGGCGGCGGC.
Other names: c.70_78dup9 (NM_004612.3); c.52GCG[12], p.Ala24_Ala26dup (NM_001130916.3, NM_001306210.2); c.70_78dup (NM_004612.2).
Identifiers: ClinVar variation 408570 (VCV000408570.20), dbSNP rs11466445, ClinGen allele CA16612907.